The following is an entry in ClinVar:

NM_000327.4(ROM1):c.308dup (p.Leu104fs)

Gene: ROM1 (retinal outer segment membrane protein 1; plus strand). Cytogenetic location: 11q12.3.
Variant type: Duplication.
Coding change: c.308dup on transcript NM_000327.4 (MANE Select); coding-DNA position 308, one base duplicated (T; older notation c.308dupT).
Protein change: p.Leu104fs; shifts the reading frame from leucine 104.
Molecular consequence: frameshift variant.
Genome position (GRCh38, 1-based): chr11:62,613,589, T duplicated. VCF-style (leftmost placement, unchanged base first): chr11-62613588-C-CT. GRCh37 (hg19) VCF-style: chr11-62381060-C-CT.
Other names: short protein forms L104fs.
Identifiers: ClinVar variation 4880580 (VCV004880580.2).
Genomic context (GRCh38, chr11:62,613,588, plus strand): 5'-GCCAGCCGGGCAAGTCTGAATGCAGCTCTATACCCTCCCTGGCGAGGGGTCCTGGGCCCG[C>CT]TGCTGGTGGCTGGCACGGCTGGTGGGGGGGGGCTCCTGGTCGTCGGCCTCGGGCTAGCCC-3'

ClinVar aggregate classification (germline): Likely pathogenic (1 of 4 stars; one submission).

Conditions:
Retinitis pigmentosa 7 (RP7). Identifiers: Orphanet 791, MedGen C1842475, MONDO:0011974, OMIM 608133.

Submission:

Dasa
Classification: Likely pathogenic for Retinitis pigmentosa 7. Last evaluated: 2025-12-05. Review status: criteria provided, single submitter. Criteria: DASA Assertion Criteria. Collection method: clinical testing. Allele origin: germline.
Comment: NM_000327.4(ROM1):c.308dup (p.Leu104Alafs*28) is a frameshift variant in ROM1 predicted to alter the reading frame and introduce a premature termination codon and is predicted to result in an absent or altered protein product. Loss of function is an established disease mechanism for ROM1-associated disorders. Also, this variant is rare in population databases. Based on the currently available evidence, this variant is classified as likely pathogenic.